The following is an entry in ClinVar:

NM_001005361.3(DNM2):c.1196+698C>A

Gene: DNM2 (dynamin 2; plus strand). Cytogenetic location: 19p13.2.
Variant type: single nucleotide variant.
Coding change: c.1196+698C>A on transcript NM_001005361.3 (MANE Select); 698 bases into the intron after coding-DNA position 1196, C replaced by A.
Molecular consequence: intron variant. On other transcripts: missense variant (3).
Genome position (GRCh38, 1-based): chr19:10,796,137, C>A. VCF-style: chr19-10796137-C-A. GRCh37 (hg19) VCF-style: chr19-10906813-C-A.
Other names: c.1273C>A, p.Leu425Met (NM_001005360.3, NM_001190716.2, NM_004945.4); c.1196+698C>A (NM_001005362.3); short protein forms L425M.
Identifiers: ClinVar variation 245878 (VCV000245878.15), dbSNP rs879253980, ClinGen allele CA10584605.

ClinVar aggregate classification (germline): Uncertain significance. Review status: criteria provided, multiple submitters, no conflicts (2 of 4 stars). 3 submissions from 3 submitters: Uncertain significance (3). Last evaluated 2024-12-16.

Conditions:
Inborn genetic diseases. Identifiers: MedGen C0950123, MeSH D030342.
Charcot-Marie-Tooth disease dominant intermediate B (CMTDIB). Also called: CHARCOT-MARIE-TOOTH NEUROPATHY, DOMINANT INTERMEDIATE B; Charcot-Marie-Tooth disease dominant intermediate 1; CMT DI1; Charcot-Marie-Tooth disease dominant intermediate I. Identifiers: Orphanet 100044, Orphanet 228179, MedGen C1847902, MONDO:0011674, OMIM 606482.

Allele frequency attached by ClinVar (database versions not stated): gnomAD exomes 0.00001; TOPMed 0.00001.
gnomAD v4.1: 6 of 1,614,058 alleles (0.00037%); highest among the groups gnomAD compares: Non-Finnish European, 0.00042%; no homozygotes.

Submissions (3):

GeneDx
Classification: Uncertain significance. Last evaluated: 2024-12-16. Review status: criteria provided, single submitter. Criteria: GeneDx Variant Classification Process June 2021. Collection method: clinical testing. Allele origin: germline. Affected: yes.
Comment: Not observed at significant frequency in large population cohorts (gnomAD); In silico analysis indicates that this missense variant does not alter protein structure/function; Has not been previously published as pathogenic or benign to our knowledge

Labcorp Genetics (formerly Invitae), Labcorp
Classification: Uncertain significance for Charcot-Marie-Tooth disease dominant intermediate B. Last evaluated: 2022-11-17. Review status: criteria provided, single submitter. Criteria: Invitae Variant Classification Sherloc (09022015). Collection method: clinical testing. Allele origin: germline.
Comment: In summary, the available evidence is currently insufficient to determine the role of this variant in disease. Therefore, it has been classified as a Variant of Uncertain Significance. Advanced modeling of protein sequence and biophysical properties (such as structural, functional, and spatial information, amino acid conservation, physicochemical variation, residue mobility, and thermodynamic stability) has been performed at Invitae for this missense variant, however the output from this modeling did not meet the statistical confidence thresholds required to predict the impact of this variant on DNM2 protein function. ClinVar contains an entry for this variant (Variation ID: 245878). This variant has not been reported in the literature in individuals affected with DNM2-related conditions. This variant is present in population databases (no rsID available, gnomAD 0.003%). This sequence change replaces leucine, which is neutral and non-polar, with methionine, which is neutral and non-polar, at codon 425 of the DNM2 protein (p.Leu425Met).

Ambry Genetics
Classification: Uncertain significance for Inborn genetic diseases. Last evaluated: 2022-02-21. Review status: criteria provided, single submitter. Criteria: Ambry Variant Classification Scheme 2023. Collection method: clinical testing. Allele origin: germline.
Comment: The p.L425M variant (also known as c.1273C>A), located in coding exon 10 of the DNM2 gene, results from a C to A substitution at nucleotide position 1273. The leucine at codon 425 is replaced by methionine, an amino acid with highly similar properties. This amino acid position is conserved. In addition, this alteration is predicted to be tolerated by in silico analysis. Since supporting evidence is limited at this time, the clinical significance of this alteration remains unclear.